The following is an entry in ClinVar:

NM_001039591.3(USP9X):c.3649G>A (p.Val1217Met)

Gene: USP9X (ubiquitin specific peptidase 9 X-linked; plus strand). Cytogenetic location: Xp11.4.
Variant type: single nucleotide variant.
Coding change: c.3649G>A on transcript NM_001039591.3 (MANE Select); coding-DNA position 3649, G replaced by A.
Protein change: p.Val1217Met; replaces valine 1217 with methionine.
Molecular consequence: missense variant.
Genome position (GRCh38, 1-based): chrX:41,186,607, G>A. VCF-style: chrX-41186607-G-A. GRCh37 (hg19) VCF-style: chrX-41045860-G-A.
Other names: c.3649G>A, p.Val1217Met (NM_001039590.3); short protein forms V1217M.
Identifiers: ClinVar variation 1327884 (VCV001327884.6), dbSNP rs1475222947, ClinGen allele CA412766702.
Genomic context (GRCh38, chrX:41,186,607, plus strand): 5'-GTGCTACAAAGTGCCCTTCAGAGCATTCCTAATCCATCATCCGAGTGCATGCTTAGAAAT[G>A]TGTCAGTTCGTCTTGCTCAGCAGATATCTGATGAGGTTAGTTTTATCAAGACTTCTGTCA-3'
Protein context (NP_001034680.2, residues 1207-1227): NPSSECMLRN[Val1217Met]SVRLAQQISD

ClinVar aggregate classification (germline): Uncertain significance. Review status: criteria provided, multiple submitters, no conflicts (2 of 4 stars). 2 submissions from 2 submitters: Uncertain significance (2). Last evaluated 2023-01-09.

Allele frequency attached by ClinVar (database versions not stated): gnomAD exomes below 0.00001; gnomAD 0.00002 and 0.00003; TOPMed 0.00002.
gnomAD v4.1: 4 of 1,209,386 alleles (0.00033%); highest among the groups gnomAD compares: African/African-American, 0.0053%; no homozygotes.

Submissions (3):

Labcorp Genetics (formerly Invitae), Labcorp
Classification: Uncertain significance. Last evaluated: 2023-01-09. Review status: criteria provided, single submitter. Criteria: Invitae Variant Classification Sherloc (09022015). Collection method: clinical testing. Allele origin: germline.
Comment: This sequence change replaces valine, which is neutral and non-polar, with methionine, which is neutral and non-polar, at codon 1217 of the USP9X protein (p.Val1217Met). This variant is not present in population databases (gnomAD no frequency). This variant has not been reported in the literature in individuals affected with USP9X-related conditions. ClinVar contains an entry for this variant (Variation ID: 1327884). Algorithms developed to predict the effect of missense changes on protein structure and function are either unavailable or do not agree on the potential impact of this missense change (SIFT: "Deleterious"; PolyPhen-2: "Benign"; Align-GVGD: "Class C0"). In summary, the available evidence is currently insufficient to determine the role of this variant in disease. Therefore, it has been classified as a Variant of Uncertain Significance.

GeneDx
Classification: Uncertain significance. Last evaluated: 2021-06-11. Review status: criteria provided, single submitter. Criteria: GeneDx Variant Classification Process June 2021. Collection method: clinical testing. Allele origin: germline. Affected: yes.
Comment: Not observed at significant frequency in large population cohorts (Lek et al., 2016); In silico analysis supports that this missense variant does not alter protein structure/function; Has not been previously published as pathogenic or benign to our knowledge; This variant is associated with the following publications: (PMID: 27535533)

Dr. Peter K. Rogan Lab, Western University
No classification provided (evidence only). Condition: Nonpapillary renal cell carcinoma. Review status: no classification provided. Collection method: in vitro. Allele origin: not applicable. Functional consequence: skipped exon, retained intron. Not counted in ClinVar's aggregate classification.